The following is an entry in ClinVar:

ClinVar aggregate classification (germline): Likely pathogenic (1 of 4 stars; one submission).

Conditions:
Glucocorticoid deficiency with achalasia (AAAS). Also called: ALACRIMA-ACHALASIA-ADRENAL INSUFFICIENCY NEUROLOGIC DISORDER; Addisonian achalasia syndrome; Triple-A syndrome; Achalasia-addisonianism-alacrimia syndrome; AAA syndrome; Allgrove syndrome. Identifiers: Orphanet 869, MedGen C0271742, MONDO:0009279, OMIM 231550.

Submission:

Women's Health and Genetics/Laboratory Corporation of America, LabCorp
Classification: Likely pathogenic for Glucocorticoid deficiency with achalasia. Last evaluated: 2025-04-07. Review status: criteria provided, single submitter. Criteria: LabCorp Variant Classification Summary - May 2015. Collection method: clinical testing. Allele origin: germline.
Comment: Variant summary: AAAS c.1406T>C (p.Leu469Pro), also reported as "c.1538T>C p.Leu469Pro", results in a non-conservative amino acid change in the encoded protein sequence. Five of five in-silico tools predict a damaging effect of the variant on protein function. The variant was absent in 251368 control chromosomes. c.1406T>C has been reported in the presumed or confirmed compound heterozygous state and homozygous state in the literature in multiple individuals affected with Triple A syndrome and primary adrenal insufficiency (example, Strauss_2008, Palka_2010, Capalbo_2021). These data indicate that the variant is likely to be associated with disease. Experimental evidence was either not available or not evaluated. The following publications have been ascertained in the context of this evaluation (PMID: 24790383, 29180348, 29874194, 18615337, 31600784, 20674935, 20447142, 33247909).8 No submitters have cited clinical-significance assessments for this variant to ClinVar. Based on the evidence outlined above, the variant was classified as likely pathogenic.

Literature cited by the submitters: PubMed 33247909; PubMed 31600784; PubMed 29874194; PubMed 20674935; PubMed 24790383; PubMed 29180348; PubMed 20447142; PubMed 18615337.

NM_015665.6(AAAS):c.1406T>C (p.Leu469Pro)

Gene: AAAS (aladin WD repeat nucleoporin; minus strand). Cytogenetic location: 12q13.13.
Variant type: single nucleotide variant.
Coding change: c.1406T>C on transcript NM_015665.6 (MANE Select); coding-DNA position 1406, T replaced by C.
Protein change: p.Leu469Pro; replaces leucine 469 with proline.
Molecular consequence: missense variant.
Genome position (GRCh38, 1-based): chr12:53,307,855, A>G on the plus strand (T>C on the coding strand, the complement: AAAS is on the minus strand). VCF-style: chr12-53307855-A-G. GRCh37 (hg19) VCF-style: chr12-53701639-A-G.
Other names: c.1307T>C, p.Leu436Pro (NM_001173466.2); short protein forms L436P, L469P.
Identifiers: ClinVar variation 3896450 (VCV003896450.2).